The following is an entry in ClinVar:

NM_000179.3(MSH6):c.2235T>G (p.Ile745Met)

Gene: MSH6 (mutS homolog 6; plus strand). Cytogenetic location: 2p16.3.
Variant type: single nucleotide variant.
Coding change: c.2235T>G on transcript NM_000179.3 (MANE Select); coding-DNA position 2235, T replaced by G.
Protein change: p.Ile745Met; replaces isoleucine 745 with methionine.
Molecular consequence: missense variant.
Genome position (GRCh38, 1-based): chr2:47,800,218, T>G. VCF-style: chr2-47800218-T-G. GRCh37 (hg19) VCF-style: chr2-48027357-T-G.
Other names: c.1845T>G, p.Ile615Met (NM_001281492.2); c.1329T>G, p.Ile443Met (NM_001281493.2, NM_001281494.2); short protein forms I745M, I443M, I615M.
Identifiers: ClinVar variation 410415 (VCV000410415.22), dbSNP rs556339046, ClinGen allele CA068645.

ClinVar aggregate classification (germline): Conflicting classifications of pathogenicity. Review status: criteria provided, conflicting classifications (1 of 4 stars). 6 submissions from 6 submitters: Uncertain significance (4); Likely benign (1). 1 of the submissions does not count toward it. Last evaluated 2025-07-17.

Conditions:
Hereditary cancer-predisposing syndrome. Also called: Tumor predisposition; Hereditary Cancer Syndrome; Hereditary neoplastic syndrome; Neoplastic Syndromes, Hereditary. Identifiers: Orphanet 140162, MedGen C0027672, MeSH D009386, MONDO:0015356.
Lynch syndrome. Identifiers: Orphanet 144, MedGen C4552100, MONDO:0005835. Disease mechanism: loss of function.
Hereditary nonpolyposis colorectal neoplasms. Identifiers: MedGen C0009405, MeSH D003123.
Lynch syndrome 5 (LYNCH5). Also called: Hereditary non-polyposis colorectal cancer, type 5; Colorectal cancer, hereditary nonpolyposis, type 5. Identifiers: Orphanet 144, MedGen C1833477, MONDO:0013710, OMIM 614350. Disease mechanism: loss of function.

Allele frequency attached by ClinVar (database versions not stated): gnomAD below 0.00001 and 0.00001; TOPMed 0.00001; ExAC 0.00002; gnomAD exomes 0.00002 and 0.00004; 1000 Genomes Project 0.00020; 1000 Genomes Project 30x 0.00031.
gnomAD v4.1: 24 of 1,614,076 alleles (0.0015%); highest among the groups gnomAD compares: South Asian, 0.026%; no homozygotes.

Submissions (6):

Labcorp Genetics (formerly Invitae), Labcorp
Classification: Likely benign for Hereditary nonpolyposis colorectal neoplasms. Last evaluated: 2025-07-17. Review status: criteria provided, single submitter. Criteria: Invitae Variant Classification Sherloc (09022015). Collection method: clinical testing. Allele origin: germline.

Ambry Genetics
Classification: Uncertain significance for Hereditary cancer-predisposing syndrome. Last evaluated: 2024-12-05. Review status: criteria provided, single submitter. Criteria: Ambry Variant Classification Scheme 2023. Collection method: clinical testing. Allele origin: germline.
Comment: The p.I745M variant (also known as c.2235T>G), located in coding exon 4 of the MSH6 gene, results from a T to G substitution at nucleotide position 2235. The isoleucine at codon 745 is replaced by methionine, an amino acid with highly similar properties. This variant has been reported as a variant of unknown significance in an individual with a personal history of breast cancer from a cohort of 1191 cancer index patients who underwent clinical evaluation and testing with multigene panels (Chan GHJ et al. Oncotarget. 2018 Jul;9:30649-30660). This amino acid position is not well conserved in available vertebrate species. In addition, this alteration is predicted to be deleterious by in silico analysis. Based on the available evidence, the clinical significance of this variant remains unclear.

All of Us Research Program, National Institutes of Health
Classification: Uncertain significance for Lynch syndrome. Last evaluated: 2024-04-10. Review status: criteria provided, single submitter. Criteria: ACMG Guidelines, 2015. Collection method: clinical testing. Allele origin: germline. Inheritance: Autosomal dominant inheritance. Observed: 1 variant allele, 1 heterozygote.
Comment: This study involves interpretation of variants in research participants for the purpose of population health screening. Participant phenotype was not available at the time of variant classification. Additional details can be found in publication PMID: 35346344, PMCID: PMC8962531

Myriad Genetics, Inc.
Classification: Uncertain significance for Lynch syndrome 5. Last evaluated: 2023-03-27. Review status: criteria provided, single submitter. Criteria: Myriad Autosomal Dominant, Autosomal Recessive and X-Linked Classification Criteria (2023). Collection method: clinical testing. Allele origin: unknown.
Comment: This variant is classified as a variant of uncertain significance as there is insufficient evidence to determine its impact on protein function and/or cancer risk.

Color Diagnostics, LLC DBA Color Health
Classification: Uncertain significance for Hereditary cancer-predisposing syndrome. Last evaluated: 2018-12-06. Review status: criteria provided, single submitter. Criteria: ACMG Guidelines, 2015. Collection method: clinical testing. Allele origin: germline.

Counsyl
Classification: Uncertain significance for Lynch syndrome 5. Last evaluated: 2018-04-03. Review status: no assertion criteria provided. Collection method: clinical testing. Allele origin: unknown. Not counted in ClinVar's aggregate classification.

Literature cited by the submitters: PubMed 30093976 (cited by Ambry Genetics); PubMed 32459922 (cited by Ambry Genetics).